The following is an entry in ClinVar:

NM_030665.4(RAI1):c.4309C>G (p.Pro1437Ala)

Gene: RAI1 (retinoic acid induced 1; plus strand). Cytogenetic location: 17p11.2.
Variant type: single nucleotide variant.
Coding change: c.4309C>G on transcript NM_030665.4 (MANE Select); coding-DNA position 4309, C replaced by G.
Protein change: p.Pro1437Ala; replaces proline 1437 with alanine.
Molecular consequence: missense variant.
Genome position (GRCh38, 1-based): chr17:17,797,257, C>G. VCF-style: chr17-17797257-C-G. GRCh37 (hg19) VCF-style: chr17-17700571-C-G.
Other names: c.4309C>G (NM_030665.3); short protein forms P1437A.
Identifiers: ClinVar variation 2055940 (VCV002055940.6), dbSNP rs199614154, ClinGen allele CA8418931.

ClinVar aggregate classification (germline): Conflicting classifications of pathogenicity. Review status: criteria provided, conflicting classifications (1 of 4 stars). 3 submissions from 3 submitters: Uncertain significance (1); Likely benign (2). Last evaluated 2026-01-09.

Conditions:
Inborn genetic diseases. Identifiers: MedGen C0950123, MeSH D030342.

Allele frequency attached by ClinVar (database versions not stated): ExAC 0.00003; gnomAD 0.00006; 1000 Genomes Project 30x 0.00062; 1000 Genomes Project 0.00080.
gnomAD v4.1: 44 of 1,613,262 alleles (0.0027%); highest among the groups gnomAD compares: East Asian, 0.094%; no homozygotes.

Submissions (3):

Ambry Genetics
Classification: Likely benign for Inborn genetic diseases. Last evaluated: 2026-01-09. Review status: criteria provided, single submitter. Criteria: Ambry Variant Classification Scheme 2023. Collection method: clinical testing. Allele origin: germline.

Labcorp Genetics (formerly Invitae), Labcorp
Classification: Uncertain significance. Last evaluated: 2025-01-01. Review status: criteria provided, single submitter. Criteria: Invitae Variant Classification Sherloc (09022015). Collection method: clinical testing. Allele origin: germline.
Comment: This sequence change replaces proline, which is neutral and non-polar, with alanine, which is neutral and non-polar, at codon 1437 of the RAI1 protein (p.Pro1437Ala). This variant is present in population databases (rs199614154, gnomAD 0.04%). This variant has not been reported in the literature in individuals affected with RAI1-related conditions. ClinVar contains an entry for this variant (Variation ID: 2055940). Invitae Evidence Modeling of protein sequence and biophysical properties (such as structural, functional, and spatial information, amino acid conservation, physicochemical variation, residue mobility, and thermodynamic stability) indicates that this missense variant is not expected to disrupt RAI1 protein function with a negative predictive value of 80%. In summary, the available evidence is currently insufficient to determine the role of this variant in disease. Therefore, it has been classified as a Variant of Uncertain Significance.

Blueprint Genetics
Classification: Likely benign. Last evaluated: 2023-06-07. Review status: criteria provided, single submitter. Criteria: ACMG Guidelines, 2015. Collection method: clinical testing. Allele origin: germline.